The following is an entry in ClinVar:

NM_024675.4(PALB2):c.2131G>T (p.Val711Phe)

Gene: PALB2 (partner and localizer of BRCA2; minus strand). Cytogenetic location: 16p12.2.
Variant type: single nucleotide variant.
Coding change: c.2131G>T on transcript NM_024675.4 (MANE Select); coding-DNA position 2131, G replaced by T.
Protein change: p.Val711Phe; replaces valine 711 with phenylalanine.
Molecular consequence: missense variant.
Genome position (GRCh38, 1-based): chr16:23,630,023, C>A on the plus strand (G>T on the coding strand, the complement: PALB2 is on the minus strand). VCF-style: chr16-23630023-C-A. GRCh37 (hg19) VCF-style: chr16-23641344-C-A.
Other names: short protein forms V711F.
Identifiers: ClinVar variation 642689 (VCV000642689.8), dbSNP rs1555460478, ClinGen allele CA395125734.

ClinVar aggregate classification (germline): Uncertain significance. Review status: criteria provided, multiple submitters, no conflicts (2 of 4 stars). 2 submissions from 2 submitters: Uncertain significance (2). Last evaluated 2024-01-13.

Conditions:
Familial cancer of breast. Also called: hereditary breast carcinoma; BREAST CANCER, FAMILIAL; Hereditary breast cancer. Identifiers: Orphanet 227535, MedGen C0346153, MONDO:0016419, OMIM 114480. Disease mechanism: loss of function.
Hereditary cancer-predisposing syndrome. Also called: Neoplastic Syndromes, Hereditary; Tumor predisposition; Hereditary neoplastic syndrome; Hereditary Cancer Syndrome. Identifiers: Orphanet 140162, MedGen C0027672, MeSH D009386, MONDO:0015356.

Allele frequency attached by ClinVar (database versions not stated): TOPMed below 0.00001.

Submissions (2):

Ambry Genetics
Classification: Uncertain significance for Hereditary cancer-predisposing syndrome. Last evaluated: 2024-01-13. Review status: criteria provided, single submitter. Criteria: Ambry Variant Classification Scheme 2023. Collection method: clinical testing. Allele origin: germline.
Comment: The p.V711F variant (also known as c.2131G>T), located in coding exon 5 of the PALB2 gene, results from a G to T substitution at nucleotide position 2131. The valine at codon 711 is replaced by phenylalanine, an amino acid with highly similar properties. This amino acid position is conserved. In addition, this alteration is predicted to be tolerated by in silico analysis. Since supporting evidence is limited at this time, the clinical significance of this alteration remains unclear.

Labcorp Genetics (formerly Invitae), Labcorp
Classification: Uncertain significance for Familial cancer of breast. Last evaluated: 2022-08-16. Review status: criteria provided, single submitter. Criteria: Invitae Variant Classification Sherloc (09022015). Collection method: clinical testing. Allele origin: germline.
Comment: Algorithms developed to predict the effect of missense changes on protein structure and function are either unavailable or do not agree on the potential impact of this missense change (SIFT: "Tolerated"; PolyPhen-2: "Possibly Damaging"; Align-GVGD: "Class C0"). In summary, the available evidence is currently insufficient to determine the role of this variant in disease. Therefore, it has been classified as a Variant of Uncertain Significance. ClinVar contains an entry for this variant (Variation ID: 642689). This variant has not been reported in the literature in individuals affected with PALB2-related conditions. This variant is not present in population databases (gnomAD no frequency). This sequence change replaces valine, which is neutral and non-polar, with phenylalanine, which is neutral and non-polar, at codon 711 of the PALB2 protein (p.Val711Phe).